The following is an entry in ClinVar:

NM_014423.4(AFF4):c.3218C>T (p.Ala1073Val)

Gene: AFF4 (ALF transcription elongation factor 4; minus strand). Cytogenetic location: 5q31.1.
Variant type: single nucleotide variant.
Coding change: c.3218C>T on transcript NM_014423.4 (MANE Select); coding-DNA position 3218, C replaced by T.
Protein change: p.Ala1073Val; replaces alanine 1073 with valine.
Molecular consequence: missense variant.
Genome position (GRCh38, 1-based): chr5:132,883,486, G>A on the plus strand (C>T on the coding strand, the complement: AFF4 is on the minus strand). VCF-style: chr5-132883486-G-A. GRCh37 (hg19) VCF-style: chr5-132219178-G-A.
Other names: c.3218C>T (NM_014423.3); short protein forms A1073V.
Identifiers: ClinVar variation 1346486 (VCV001346486.9), dbSNP rs1424102789, ClinGen allele CA360967351.

ClinVar aggregate classification (germline): Uncertain significance. Review status: criteria provided, multiple submitters, no conflicts (2 of 4 stars). 2 submissions from 2 submitters: Uncertain significance (2). Last evaluated 2026-09-09.

Conditions:
AFF4-related disorder. Also called: AFF4-related condition.
Cognitive impairment - coarse facies - heart defects - obesity - pulmonary involvement - short stature - skeletal dysplasia syndrome. Also called: COGNITIVE IMPAIRMENT, COARSE FACIES, HEART DEFECTS, OBESITY, PULMONARY INVOLVEMENT, SHORT STATURE, AND SKELETAL DYSPLASIA; Chops syndrome; AFF4-Related CHOPS Syndrome. Identifiers: Orphanet 444077, MedGen C4085597, MONDO:0014609, OMIM 616368.

Allele frequency attached by ClinVar (database versions not stated): TOPMed below 0.00001; gnomAD 0.00001.
gnomAD v4.1: 1 of 1,613,842 alleles (0.000062%); highest among the groups gnomAD compares: Non-Finnish European, 0.000085%; no homozygotes.

Submissions (2):

PreventionGenetics, part of Exact Sciences
Classification: Uncertain significance for AFF4-related condition. Last evaluated: 2026-09-09. Review status: criteria provided, single submitter. Criteria: ACMG Guidelines, 2015. Collection method: clinical testing. Allele origin: germline.
Comment: The AFF4 c.3218C>T variant is predicted to result in the amino acid substitution p.Ala1073Val. To our knowledge, this variant has not been reported in the literature or in a large population database (gnomAD), indicating this variant is rare. At this time, the clinical significance of this variant is uncertain due to the absence of conclusive functional and genetic evidence.

Labcorp Genetics (formerly Invitae), Labcorp
Classification: Uncertain significance for Cognitive impairment - coarse facies - heart defects - obesity - pulmonary involvement - short stature - skeletal dysplasia syndrome. Last evaluated: 2022-02-05. Review status: criteria provided, single submitter. Criteria: Invitae Variant Classification Sherloc (09022015). Collection method: clinical testing. Allele origin: germline.
Comment: Algorithms developed to predict the effect of missense changes on protein structure and function (SIFT, PolyPhen-2, Align-GVGD) all suggest that this variant is likely to be tolerated. Algorithms developed to predict the effect of sequence changes on RNA splicing suggest that this variant may create or strengthen a splice site. In summary, the available evidence is currently insufficient to determine the role of this variant in disease. Therefore, it has been classified as a Variant of Uncertain Significance. This variant has not been reported in the literature in individuals affected with AFF4-related conditions. This variant is not present in population databases (gnomAD no frequency). This sequence change replaces alanine, which is neutral and non-polar, with valine, which is neutral and non-polar, at codon 1073 of the AFF4 protein (p.Ala1073Val).